The following is an entry in ClinVar:

ClinVar aggregate classification (germline): Uncertain significance (1 of 4 stars; one submission).

Submission:

Labcorp Genetics (formerly Invitae), Labcorp
Classification: Uncertain significance. Last evaluated: 2024-01-08. Review status: criteria provided, single submitter. Criteria: Invitae Variant Classification Sherloc (09022015). Collection method: clinical testing. Allele origin: germline.
Comment: This sequence change replaces tyrosine, which is neutral and polar, with serine, which is neutral and polar, at codon 688 of the MAST1 protein (p.Tyr688Ser). This variant is not present in population databases (gnomAD no frequency). This variant has not been reported in the literature in individuals affected with MAST1-related conditions. An algorithm developed to predict the effect of missense changes on protein structure and function (PolyPhen-2) suggests that this variant is likely to be disruptive. In summary, the available evidence is currently insufficient to determine the role of this variant in disease. Therefore, it has been classified as a Variant of Uncertain Significance.

NM_014975.3(MAST1):c.2063A>C (p.Tyr688Ser)

Gene: MAST1 (microtubule associated serine/threonine kinase 1; plus strand). Cytogenetic location: 19p13.13.
Variant type: single nucleotide variant.
Coding change: c.2063A>C on transcript NM_014975.3 (MANE Select); coding-DNA position 2063, A replaced by C.
Protein change: p.Tyr688Ser; replaces tyrosine 688 with serine.
Molecular consequence: missense variant.
Genome position (GRCh38, 1-based): chr19:12,866,686, A>C. VCF-style: chr19-12866686-A-C. GRCh37 (hg19) VCF-style: chr19-12977500-A-C.
Other names: short protein forms Y688S.
Identifiers: ClinVar variation 2708189 (VCV002708189.3), dbSNP rs61737540, ClinGen allele CA404275302.
Genomic context (GRCh38, chr19:12,866,686, plus strand): 5'-CAGTCACAGCCCATACCCGCTCCCCAGCCCGCTCAGACAGGTATCACCACGTGAACTCCT[A>C]TGACGAGGATGACACGACGGAGGAGGAGCCCGTGGAAATCCGCCAGTTCTCTTCCTGCTC-3'
Protein context (NP_055790.1, residues 678-698): RSDRYHHVNS[Tyr688Ser]DEDDTTEEEP